The following is an entry in ClinVar:

NM_006231.4(POLE):c.1106+7C>A

Gene: POLE (DNA polymerase epsilon, catalytic subunit; minus strand). Cytogenetic location: 12q24.33.
Variant type: single nucleotide variant.
Coding change: c.1106+7C>A on transcript NM_006231.4 (MANE Select); 7 bases into the intron after coding-DNA position 1106, C replaced by A.
Molecular consequence: intron variant.
Genome position (GRCh38, 1-based): chr12:132,675,728, G>T on the plus strand (C>A on the coding strand, the complement: POLE is on the minus strand). VCF-style: chr12-132675728-G-T. GRCh37 (hg19) VCF-style: chr12-133252314-G-T.
Identifiers: ClinVar variation 240376 (VCV000240376.20), dbSNP rs369889926, ClinGen allele CA6894090.

ClinVar aggregate classification (germline): Conflicting classifications of pathogenicity. Review status: criteria provided, conflicting classifications (1 of 4 stars). 9 submissions from 9 submitters: Uncertain significance (2); Benign (2); Likely benign (3). 2 of the submissions do not count toward it. Last evaluated 2025-12-29.

Conditions:
Familial colorectal cancer type X. Identifiers: Orphanet 440437, MedGen C3896578, MONDO:0018604.
POLE-related disorder. Also called: POLE-related condition; POLE-related disorders.
Colorectal cancer, susceptibility to, 12 (CRCS12). Also called: COLORECTAL CANCER, SUSCEPTIBILITY TO, ON CHROMOSOME 12q24. Identifiers: Orphanet 220460, MedGen C3554460, MONDO:0014038, OMIM 615083.

Allele frequency attached by ClinVar (database versions not stated): gnomAD below 0.00001 and 0.00007; TOPMed 0.00002; ESP Exome Variant Server 0.00008; gnomAD exomes 0.00012 and 0.00027; 1000 Genomes Project 30x 0.00031; ExAC 0.00032; 1000 Genomes Project 0.00040.
gnomAD v4.1: 181 of 1,612,370 alleles (0.011%); highest among the groups gnomAD compares: South Asian, 0.18%; 2 homozygotes.

Submissions (9):

Center for Genomic Medicine, Rigshospitalet, Copenhagen University Hospital
Classification: Likely benign. Last evaluated: 2025-12-29. Review status: criteria provided, single submitter. Criteria: ACMG Guidelines, 2015. Collection method: clinical testing. Allele origin: germline.

Labcorp Genetics (formerly Invitae), Labcorp
Classification: Benign. Last evaluated: 2025-12-23. Review status: criteria provided, single submitter. Criteria: Invitae Variant Classification Sherloc (09022015). Collection method: clinical testing. Allele origin: germline.

Blueprint Genetics
Classification: Likely benign. Last evaluated: 2024-02-16. Review status: criteria provided, single submitter. Criteria: ACMG Guidelines, 2015. Collection method: clinical testing. Allele origin: germline.

Myriad Genetics, Inc.
Classification: Uncertain significance for Colorectal cancer, susceptibility to, 12. Last evaluated: 2023-04-19. Review status: criteria provided, single submitter. Criteria: Myriad Autosomal Dominant, Autosomal Recessive and X-Linked Classification Criteria (2023). Collection method: clinical testing. Allele origin: unknown.
Comment: This variant is classified as a variant of uncertain significance as there is insufficient evidence to determine its impact on protein function and/or cancer risk.

Department of Pathology and Laboratory Medicine, Sinai Health System
Classification: Uncertain significance for Familial colorectal cancer type X. Last evaluated: 2022-02-18. Review status: criteria provided, single submitter. Criteria: ACMG Guidelines, 2015. Collection method: clinical testing. Allele origin: germline. Affected: yes.

Quest Diagnostics Nichols Institute San Juan Capistrano
Classification: Benign. Last evaluated: 2018-01-12. Review status: criteria provided, single submitter. Criteria: Quest Diagnostics criteria. Collection method: clinical testing. Allele origin: germline.

GeneDx
Classification: Likely benign. Last evaluated: 2016-03-02. Review status: criteria provided, single submitter. Criteria: GeneDx Variant Classification (06012015). Collection method: clinical testing. Allele origin: germline. Affected: yes.
Comment: This variant is considered likely benign or benign based on one or more of the following criteria: it is a conservative change, it occurs at a poorly conserved position in the protein, it is predicted to be benign by multiple in silico algorithms, and/or has population frequency not consistent with disease.

PreventionGenetics, part of Exact Sciences
Classification: Likely benign for POLE-related condition. Last evaluated: 2019-04-05. Review status: no assertion criteria provided. Collection method: clinical testing. Allele origin: germline. Not counted in ClinVar's aggregate classification.
Comment: This variant is classified as likely benign based on ACMG/AMP sequence variant interpretation guidelines (Richards et al. 2015 PMID: 25741868, with internal and published modifications).

Counsyl
Classification: Likely benign for Colorectal cancer, susceptibility to, 12. Last evaluated: 2018-02-12. Review status: no assertion criteria provided. Collection method: clinical testing. Allele origin: unknown. Not counted in ClinVar's aggregate classification.